The following is an entry in ClinVar:

ClinVar aggregate classification (germline): Uncertain significance (1 of 4 stars; one submission).

Submission:

Dasa
Classification: Uncertain significance. Last evaluated: 2026-01-26. Review status: criteria provided, single submitter. Criteria: DASA Assertion Criteria. Collection method: clinical testing. Allele origin: germline.
Comment: NM_001005271.3(CHD3):c.232C>T (p.Pro78Ser) is a missense variant that results in the substitution of proline with serine. This variant is rare in population databases. The currently available literature and clinical evidence are not sufficient to establish a definitive association between this variant and the reported condition. Therefore, this variant is classified as a variant of uncertain significance.

NM_001005271.3(CHD3):c.232C>T (p.Pro78Ser)

Genes: CHD3 (chromodomain helicase DNA binding protein 3; plus strand), NAA38 (N-alpha-acetyltransferase 38, NatC auxiliary subunit; minus strand). Cytogenetic location: 17p13.1.
Variant type: single nucleotide variant.
Coding change: c.232C>T on transcript NM_001005271.3; coding-DNA position 232, C replaced by T.
Protein change: p.Pro78Ser; replaces proline 78 with serine.
Molecular consequence: missense variant. On other transcripts: intron variant (1).
Genome position (GRCh38, 1-based): chr17:7,885,038, C>T. VCF-style: chr17-7885038-C-T. GRCh37 (hg19) VCF-style: chr17-7788356-C-T.
Other names: c.232C>T, p.Pro78Ser (NM_001437504.1, NM_001437507.1, NM_001437508.1 and 1 more transcripts); c.-167+127G>A (NM_001330111.2); short protein forms P78S.
Identifiers: ClinVar variation 4883481 (VCV004883481.2).